The following is an entry in ClinVar:

NM_002900.3(RBP3):c.1199C>T (p.Ala400Val)

Gene: RBP3 (retinol binding protein 3; plus strand). Cytogenetic location: 10q11.22.
Variant type: single nucleotide variant.
Coding change: c.1199C>T on transcript NM_002900.3 (MANE Select); coding-DNA position 1199, C replaced by T.
Protein change: p.Ala400Val; replaces alanine 400 with valine.
Molecular consequence: missense variant.
Genome position (GRCh38, 1-based): chr10:47,349,683, C>T. VCF-style: chr10-47349683-C-T. GRCh37 (hg19) VCF-style: chr10-48389679-G-A.
Other names: c.1199C>T (NM_002900.2); short protein forms A400V.
Identifiers: ClinVar variation 2421495 (VCV002421495.4), dbSNP rs552706223, ClinGen allele CA5487582.

ClinVar aggregate classification (germline): Conflicting classifications of pathogenicity. Review status: criteria provided, conflicting classifications (1 of 4 stars). 2 submissions from 2 submitters: Uncertain significance (1); Likely benign (1). Last evaluated 2025-08-29.

Conditions:
Inborn genetic diseases. Identifiers: MedGen C0950123, MeSH D030342.

Allele frequency attached by ClinVar (database versions not stated): TOPMed 0.00002; gnomAD 0.00003; gnomAD exomes 0.00004; ExAC 0.00009; 1000 Genomes Project 30x 0.00047; 1000 Genomes Project 0.00060.
gnomAD v4.1: 60 of 1,611,574 alleles (0.0037%); highest among the groups gnomAD compares: South Asian, 0.045%; no homozygotes.

Submissions (2):

Ambry Genetics
Classification: Likely benign for Inborn genetic diseases. Last evaluated: 2025-08-29. Review status: criteria provided, single submitter. Criteria: Ambry Variant Classification Scheme 2023. Collection method: clinical testing. Allele origin: germline.

Labcorp Genetics (formerly Invitae), Labcorp
Classification: Uncertain significance. Last evaluated: 2022-02-03. Review status: criteria provided, single submitter. Criteria: Invitae Variant Classification Sherloc (09022015). Collection method: clinical testing. Allele origin: germline.
Comment: This sequence change replaces alanine, which is neutral and non-polar, with valine, which is neutral and non-polar, at codon 400 of the RBP3 protein (p.Ala400Val). This variant is present in population databases (rs552706223, gnomAD 0.07%). This variant has not been reported in the literature in individuals affected with RBP3-related conditions. Algorithms developed to predict the effect of missense changes on protein structure and function output the following: SIFT: "Tolerated"; PolyPhen-2: "Benign"; Align-GVGD: "Class C0". The valine amino acid residue is found in multiple mammalian species, which suggests that this missense change does not adversely affect protein function. In summary, the available evidence is currently insufficient to determine the role of this variant in disease. Therefore, it has been classified as a Variant of Uncertain Significance.